The following is an entry in ClinVar:

ClinVar aggregate classification (germline): Pathogenic (0 of 4 stars; one submission).

Conditions:
Severe combined immunodeficiency, autosomal recessive, T cell-negative, B cell-negative, NK cell-positive. Also called: SCID, T CELL-NEGATIVE, B CELL-NEGATIVE, NK CELL-POSITIVE; Severe combined immunodeficiency due to complete RAG1/2 deficiency; SCID, AR, T-cell negative, B-cell negative, NK cell-positive. Identifiers: Orphanet 331206, MedGen C1832322, MONDO:0011086, OMIM 601457.

Submission:

Laboratory of Pediatric Immunoinfectivology, Tor Vergata University
Classification: Pathogenic for Severe combined immunodeficiency, autosomal recessive, T cell-negative, B cell-negative, NK cell-positive. Last evaluated: 2019-02-28. Review status: no assertion criteria provided. Collection method: clinical testing. Allele origin: germline. Affected: yes.
Comment: SCID (Severe Combined Immunodeficiency) T-, B-, NK+, Hyper-IgG; reduced IgM, IgA and IgE

RAG1base: R0097

Literature cited by the submitters: DOI 10.3389/fimmu.2019.00316.

NM_000448.2(RAG1):c.[1229G>A;1863delG]

Variant type: Haplotype.
Identifiers: ClinVar variation 624576 (VCV000624576.3).